The following is an entry in ClinVar:

ClinVar aggregate classification (germline): Pathogenic/Likely pathogenic. Review status: criteria provided, multiple submitters, no conflicts (2 of 4 stars). 2 submissions from 2 submitters: Pathogenic (1); Likely pathogenic (1). Last evaluated 2024-10-01.

Conditions:
Lynch syndrome 5 (LYNCH5). Also called: Hereditary non-polyposis colorectal cancer, type 5; Colorectal cancer, hereditary nonpolyposis, type 5. Identifiers: Orphanet 144, MedGen C1833477, MONDO:0013710, OMIM 614350. Disease mechanism: loss of function.
Mismatch repair cancer syndrome 3. Identifiers: MedGen C5436807, MONDO:0030841, OMIM 619097.
Endometrial carcinoma. Also called: Endometrial carcinoma, somatic. Identifiers: MedGen C0476089, MONDO:0002447, OMIM 608089, HP:0012114.
Hereditary cancer-predisposing syndrome. Also called: Hereditary Cancer Syndrome; Tumor predisposition; Hereditary neoplastic syndrome; Neoplastic Syndromes, Hereditary. Identifiers: Orphanet 140162, MedGen C0027672, MeSH D009386, MONDO:0015356.

Submissions (2):

Ambry Genetics
Classification: Pathogenic for Hereditary cancer-predisposing syndrome. Last evaluated: 2024-10-01. Review status: criteria provided, single submitter. Criteria: Ambry Variant Classification Scheme 2023. Collection method: clinical testing. Allele origin: germline.
Comment: The c.2139_2140delTT pathogenic mutation, located in coding exon 4 of the MSH6 gene, results from a deletion of two nucleotides at nucleotide positions 2139 to 2140, causing a translational frameshift with a predicted alternate stop codon (p.S714*). This variant is considered to be rare based on population cohorts in the Genome Aggregation Database (gnomAD). This alteration is expected to result in loss of function by premature protein truncation or nonsense-mediated mRNA decay. As such, this alteration is interpreted as a disease-causing mutation.

Fulgent Genetics
Classification: Likely pathogenic for Endometrial carcinoma; Lynch syndrome 5; Mismatch repair cancer syndrome 3. Last evaluated: 2024-04-10. Review status: criteria provided, single submitter. Criteria: ACMG Guidelines, 2015. Collection method: clinical testing. Allele origin: germline.

NM_000179.3(MSH6):c.2139_2140del (p.Asp713_Ser714insTer)

Gene: MSH6 (mutS homolog 6; plus strand). Cytogenetic location: 2p16.3.
Variant type: Deletion.
Coding change: c.2139_2140del on transcript NM_000179.3 (MANE Select); coding-DNA positions 2139 to 2140, 2 bases deleted (TT; older notation c.2139_2140delTT).
Protein change: p.Asp713_Ser714insTer.
Molecular consequence: frameshift variant. On other transcripts: non-coding transcript variant (5), intron variant (2).
Genome position (GRCh38, 1-based): chr2:47,800,122-47,800,123, TT deleted. VCF-style (leftmost placement, unchanged base first): chr2-47800121-ATT-A. GRCh37 (hg19) VCF-style: chr2-48027260-ATT-A.
Other names: c.1749_1750del, p.Asp583_Ser584insTer (NM_001281492.2); c.1233_1234del, p.Asp411_Ser412insTer (NM_001281493.2, NM_001281494.2, NM_001406811.1 and 6 more transcripts); c.2235_2236del, p.Asp745_Ser746insTer (NM_001406795.1, NM_001406802.1); c.2139_2140del, p.Asp713_Ser714insTer (NM_001406796.1, NM_001406798.1, NM_001406800.1 and 3 more transcripts); c.1842_1843del, p.Asp614_Ser615insTer (NM_001406797.1, NM_001406801.1, NM_001406805.1 and 10 more transcripts); c.1614_1615del, p.Asp538_Ser539insTer (NM_001406799.1, NM_001406806.1, NM_001406807.1); c.2061_2062del, p.Asp687_Ser688insTer (NM_001406804.1); c.2145_2146del, p.Asp715_Ser716insTer (NM_001406813.1); and 3 more.
Identifiers: ClinVar variation 3398930 (VCV003398930.2).
Genomic context (GRCh38, chr2:47,800,121, plus strand): 5'-AATGCCTTATTGATCAGGAGCTTTTATCAATGGCTAATTTTGAAGAATATATTCCCTTGG[ATT>A]CTGACACAGTCAGCACTACAAGATCTGGTGCTATCTTCACCAAAGCCTATCAACGAATGG-3'